The following is an entry in ClinVar:

ClinVar aggregate classification (germline): Uncertain significance (1 of 4 stars; one submission).

gnomAD v4.1: 1 of 1,613,866 alleles (0.000062%); highest among the groups gnomAD compares: Non-Finnish European, 0.000085%; no homozygotes.

Submission:

Ambry Genetics
Classification: Uncertain significance. Last evaluated: 2025-08-31. Review status: criteria provided, single submitter. Criteria: Ambry Variant Classification Scheme 2023. Collection method: clinical testing. Allele origin: germline.
Comment: The p.L353I variant (also known as c.1057T>A), located in coding exon 1 of the MLH3 gene, results from a T to A substitution at nucleotide position 1057. The leucine at codon 353 is replaced by isoleucine, an amino acid with highly similar properties. This amino acid position is conserved. In addition, the in silico prediction for this alteration is inconclusive. Based on the available evidence, the clinical significance of this variant remains unclear.

NM_001040108.2(MLH3):c.1057T>A (p.Leu353Ile)

Gene: MLH3 (mutL homolog 3; minus strand). Cytogenetic location: 14q24.3.
Variant type: single nucleotide variant.
Coding change: c.1057T>A on transcript NM_001040108.2 (MANE Select); coding-DNA position 1057, T replaced by A.
Protein change: p.Leu353Ile; replaces leucine 353 with isoleucine.
Molecular consequence: missense variant.
Genome position (GRCh38, 1-based): chr14:75,048,599, A>T on the plus strand (T>A on the coding strand, the complement: MLH3 is on the minus strand). VCF-style: chr14-75048599-A-T. GRCh37 (hg19) VCF-style: chr14-75515302-A-T.
Other names: c.1057T>A, p.Leu353Ile (NM_014381.3); short protein forms L353I.
Identifiers: ClinVar variation 4108679 (VCV004108679.1).